The following is an entry in ClinVar:

NM_003001.3(SDHC):c.*1335A>G

Gene: SDHC (succinate dehydrogenase complex subunit C; plus strand). Cytogenetic location: 1q23.3.
Variant type: single nucleotide variant.
Coding change: c.*1335A>G on transcript NM_003001.3; 1335 bases downstream of the stop codon, A replaced by G.
Genome position (GRCh38, 1-based): chr1:161,363,768, A>G. VCF-style: chr1-161363768-A-G. GRCh37 (hg19) VCF-style: chr1-161333558-A-G.
Identifiers: ClinVar variation 293347 (VCV000293347.7), dbSNP rs3935401, ClinGen allele CA10608191.
Genomic context (GRCh38, chr1:161,363,768, plus strand): 5'-GCTTTAGCAGGCATGCTGTTTTGATAGTTTTTGGGAACTCTGGAATAAGAGACTTATCTC[A>G]TCTGTCACTTCGAGTTGTTGGCCAGCCAGTTAAAGCTGTGGGTCGAAGAGGGGAAATGTT-3'

ClinVar aggregate classification (germline): Benign (1 of 4 stars; one submission).

Conditions:
Hereditary pheochromocytoma and paraganglioma. Also called: Hereditary Paraganglioma-Pheochromocytoma Syndromes; Hereditary paragangliomas and pheochromocytomas; Hereditary pheochromocytoma-paraganglioma. Identifiers: Orphanet 29072, MedGen C4274332, MONDO:0017366.

Allele frequency attached by ClinVar (database versions not stated): TOPMed 0.11473; 1000 Genomes Project 0.16893; gnomAD 0.11918; 1000 Genomes Project 30x 0.16958.

Submission:

Illumina Laboratory Services, Illumina
Classification: Benign for Hereditary Paraganglioma-Pheochromocytoma Syndromes. Last evaluated: 2018-01-13. Review status: criteria provided, single submitter. Criteria: ICSL Variant Classification Criteria 13 December 2019. Collection method: clinical testing. Allele origin: germline.
Comment: This variant was observed in the ICSL laboratory as part of a predisposition screen in an ostensibly healthy population. It had not been previously curated by ICSL or reported in the Human Gene Mutation Database (HGMD: prior to June 1st, 2018), and was therefore a candidate for classification through an automated scoring system. Utilizing variant allele frequency, disease prevalence and penetrance estimates, and inheritance mode, an automated score was calculated to assess if this variant is too frequent to cause the disease. Based on the score and internal cut-off values, a variant classified as benign is not then subjected to further curation. The score for this variant resulted in a classification of benign for this disease.